The following is an entry in ClinVar:

NM_005529.7(HSPG2):c.1219dup (p.Gln407fs)

Gene: HSPG2 (heparan sulfate proteoglycan 2; minus strand). Cytogenetic location: 1p36.12.
Variant type: Duplication.
Coding change: c.1219dup on transcript NM_005529.7 (MANE Select); coding-DNA position 1219, one base duplicated (C; older notation c.1219dupC).
Protein change: p.Gln407fs; shifts the reading frame from glutamine 407.
Molecular consequence: frameshift variant.
Genome position (GRCh38, 1-based): chr1:21,885,149, G duplicated on the plus strand (C on the coding strand, the reverse complement: HSPG2 is on the minus strand); the first of 7 consecutive G bases (chr1:21,885,149-21,885,155); duplicating any one gives the same sequence. VCF-style (leftmost placement, unchanged base first): chr1-21885148-T-TG. GRCh37 (hg19) VCF-style: chr1-22211641-T-TG.
Other names: c.1219dup, p.Gln407fs (NM_001291860.2); c.1219dupC (NM_005529.7); short protein forms Q407fs.
Identifiers: ClinVar variation 447538 (VCV000447538.3), dbSNP rs763945561, ClinGen allele CA673506.

ClinVar aggregate classification (germline): Pathogenic/Likely pathogenic. Review status: criteria provided, multiple submitters, no conflicts (2 of 4 stars). 3 submissions from 3 submitters: Pathogenic (2); Likely pathogenic (1). Last evaluated 2025-12-17.

Conditions:
Schwartz-Jampel syndrome type 1 (SJS1). Also called: MYOTONIC MYOPATHY, DWARFISM, CHONDRODYSTROPHY, AND OCULAR AND FACIAL ABNORMALITIES; CHONDRODYSTROPHIC MYOTONIA. Identifiers: MedGen C4551479, MONDO:0100435, OMIM 255800.

Submissions (3):

Labcorp Genetics (formerly Invitae), Labcorp
Classification: Pathogenic. Last evaluated: 2025-12-17. Review status: criteria provided, single submitter. Criteria: Invitae Variant Classification Sherloc (09022015). Collection method: clinical testing. Allele origin: germline.
Comment: This sequence change creates a premature translational stop signal (p.Gln407Profs*62) in the HSPG2 gene. It is expected to result in an absent or disrupted protein product. Loss-of-function variants in HSPG2 are known to be pathogenic (PMID: 11279527, 16927315, 20542149, 23836246). The frequency data for this variant in the population databases is considered unreliable, as metrics indicate poor data quality at this position in the gnomAD database. This variant has not been reported in the literature in individuals affected with HSPG2-related conditions. ClinVar contains an entry for this variant (Variation ID: 447538). For these reasons, this variant has been classified as Pathogenic.

Women's Health and Genetics/Laboratory Corporation of America, LabCorp
Classification: Pathogenic for Schwartz-Jampel syndrome type 1. Last evaluated: 2025-09-16. Review status: criteria provided, single submitter. Criteria: LabCorp Variant Classification Summary - May 2015. Collection method: clinical testing. Allele origin: germline.
Comment: Variant summary: HSPG2 c.1219dupC (p.Gln407ProfsX62) results in a premature termination codon, predicted to cause a truncation of the encoded protein or absence of the protein due to nonsense mediated decay, which are commonly known mechanisms for disease. The variant allele was found at a frequency of 1.1e-05 in 1608412 control chromosomes. This frequency is not significantly higher than estimated for disease-causing variants in HSPG2, allowing no conclusion about variant significance. To our knowledge, no occurrence of c.1219dupC in individuals affected with HSPG2-related conditions and no experimental evidence demonstrating its impact on protein function have been reported. ClinVar contains an entry for this variant (Variation ID: 447538). Based on the evidence outlined above, the variant was classified as pathogenic.

Athena Diagnostics
Classification: Likely pathogenic. Last evaluated: 2016-09-22. Review status: criteria provided, single submitter. Criteria: Athena Diagnostics Criteria. Collection method: clinical testing. Allele origin: germline.

Literature cited by the submitters: PubMed 11279527 (cited by Labcorp Genetics (formerly Invitae), Labcorp); PubMed 16927315 (cited by Labcorp Genetics (formerly Invitae), Labcorp); PubMed 20542149 (cited by Labcorp Genetics (formerly Invitae), Labcorp); PubMed 23836246 (cited by Labcorp Genetics (formerly Invitae), Labcorp); PubMed 27453577 (cited by Athena Diagnostics).